The following is an entry in ClinVar:

NM_000552.5(VWF):c.3903G>A (p.Val1301=)

Gene: VWF (von Willebrand factor; minus strand). Cytogenetic location: 12p13.31.
Variant type: single nucleotide variant.
Coding change: c.3903G>A on transcript NM_000552.5 (MANE Select); coding-DNA position 3903, G replaced by A.
Protein change: p.Val1301=; no amino-acid change (valine 1301 retained).
Molecular consequence: synonymous variant.
Genome position (GRCh38, 1-based): chr12:6,019,515, C>T on the plus strand (G>A on the coding strand, the complement: VWF is on the minus strand). VCF-style: chr12-6019515-C-T. GRCh37 (hg19) VCF-style: chr12-6128681-C-T.
Other names: c.3903G>A (NM_000552.4).
Identifiers: ClinVar variation 3384704 (VCV003384704.2).
Genomic context (GRCh38, chr12:6,019,515, plus strand): 5'-GTACTCCACCACGGCCACGCGGACCCACTTCTGGGAGATGCGCAGCCGCTCCATCATGTC[C>T]ACCACAAAGGCCTTCAGCACTTCAAACTCAGCCTCGGACAGCCTGGAGGAGCCATCCAGC-3'
Protein context (NP_000543.3, residues 1291-1311): AEFEVLKAFV[Val1301=]DMMERLRISQ

ClinVar aggregate classification (germline): Conflicting classifications of pathogenicity. Review status: criteria provided, conflicting classifications (1 of 4 stars). 2 submissions from 2 submitters: Uncertain significance (1); Likely benign (1). Last evaluated 2024-10-14.

Submissions (2):

Women's Health and Genetics/Laboratory Corporation of America, LabCorp
Classification: Likely benign. Last evaluated: 2024-10-14. Review status: criteria provided, single submitter. Criteria: LabCorp Variant Classification Summary - May 2015. Collection method: clinical testing. Allele origin: germline.

Quest Diagnostics Nichols Institute San Juan Capistrano
Classification: Uncertain significance. Last evaluated: 2024-10-10. Review status: criteria provided, single submitter. Criteria: Quest Diagnostics criteria. Collection method: clinical testing. Allele origin: unknown.
Comment: The VWF c.3903G>A (p.Val1301=) synonymous variant has not been reported in individuals with VWF-related conditions in the published literature. It also has not been reported in large, multi-ethnic general populations (Genome Aggregation Database). Analysis of this variant using software algorithms for the prediction of the effect of nucleotide changes on splicing yielded predictions that this variant does not affect VWF mRNA splicing. Based on the available information, we are unable to determine the clinical significance of this variant.